The following is an entry in ClinVar:

NM_016203.4(PRKAG2):c.745G>C (p.Glu249Gln)

Genes: PRKAG2 (protein kinase AMP-activated non-catalytic subunit gamma 2; minus strand), LOC129999660 (ATAC-STARR-seq lymphoblastoid silent region 18823; plus strand). Cytogenetic location: 7q36.1.
Variant type: single nucleotide variant.
Coding change: c.745G>C on transcript NM_016203.4 (MANE Select); coding-DNA position 745, G replaced by C.
Protein change: p.Glu249Gln; replaces glutamic acid 249 with glutamine.
Molecular consequence: missense variant.
Genome position (GRCh38, 1-based): chr7:151,632,078, C>G on the plus strand (G>C on the coding strand, the complement: PRKAG2 is on the minus strand). VCF-style: chr7-151632078-C-G. GRCh37 (hg19) VCF-style: chr7-151329164-C-G.
Other names: c.613G>C, p.Glu205Gln (NM_001040633.2); c.373G>C, p.Glu125Gln (NM_001304527.2, NM_001363698.2); c.22G>C, p.Glu8Gln (NM_001304531.2, NM_024429.2); short protein forms E8Q, E125Q, E249Q, E205Q.
Identifiers: ClinVar variation 810214 (VCV000810214.46), dbSNP rs1585369730, ClinGen allele CA370071160.
Genomic context (GRCh38, chr7:151,632,078, plus strand): 5'-GGCGGCCGGGCCGTGGGAGCGCCGGGCCGGCAGCGGGCGGGGCGCACTCACCTTCGTCCT[C>G]GAACTCCAGCTTCTCCAGCATGCCGGCTTCCGCGGGTCCCAGGGCCGCCGCCAGCGCCGC-3'
Protein context (NP_057287.2, residues 239-259): EAGMLEKLEF[Glu249Gln]DEAVEDSESG

ClinVar aggregate classification (germline): Uncertain significance. Review status: criteria provided, multiple submitters, no conflicts (2 of 4 stars). 2 submissions from 2 submitters: Uncertain significance (2). Last evaluated 2022-11-24.

Conditions:
Lethal congenital glycogen storage disease of heart. Also called: GLYCOGEN STORAGE DISEASE OF HEART; PHOSPHORYLASE KINASE DEFICIENCY OF HEART. Identifiers: Orphanet 439854, MedGen C1849813, MONDO:0009867, OMIM 261740.

gnomAD v4.1: 6 of 1,407,790 alleles (0.00043%); highest among the groups gnomAD compares: Non-Finnish European, 0.00056%; no homozygotes.

Submissions (2):

Labcorp Genetics (formerly Invitae), Labcorp
Classification: Uncertain significance for Lethal congenital glycogen storage disease of heart. Last evaluated: 2022-11-24. Review status: criteria provided, single submitter. Criteria: Invitae Variant Classification Sherloc (09022015). Collection method: clinical testing. Allele origin: germline.
Comment: In summary, the available evidence is currently insufficient to determine the role of this variant in disease. Therefore, it has been classified as a Variant of Uncertain Significance. Algorithms developed to predict the effect of missense changes on protein structure and function output the following: SIFT: "Tolerated"; PolyPhen-2: "Benign"; Align-GVGD: "Class C0". The glutamine amino acid residue is found in multiple mammalian species, which suggests that this missense change does not adversely affect protein function. ClinVar contains an entry for this variant (Variation ID: 810214). This variant has not been reported in the literature in individuals affected with PRKAG2-related conditions. This variant is not present in population databases (gnomAD no frequency). This sequence change replaces glutamic acid, which is acidic and polar, with glutamine, which is neutral and polar, at codon 249 of the PRKAG2 protein (p.Glu249Gln).

CeGaT Center for Human Genetics Tuebingen
Classification: Uncertain significance. Last evaluated: 2018-03-01. Review status: criteria provided, single submitter. Criteria: CeGaT Center For Human Genetics Tuebingen Variant Classification Criteria Version 2. Collection method: clinical testing. Allele origin: germline. Affected: yes. Observed: 1 variant allele.